The following is an entry in ClinVar:

ClinVar aggregate classification (germline): Uncertain significance (1 of 4 stars; one submission).

Submission:

CeGaT Center for Human Genetics Tuebingen
Classification: Uncertain significance. Last evaluated: 2026-05-01. Review status: criteria provided, single submitter. Criteria: CeGaT Center For Human Genetics Tuebingen Variant Classification Criteria Version 2. Collection method: clinical testing. Allele origin: germline. Affected: yes. Observed: 1 variant allele.
Comment: CRELD1: PM2

NM_001077415.3(CRELD1):c.193C>T (p.Arg65Trp)

Gene: CRELD1 (CRELD disulfide isomerase 1; plus strand). Cytogenetic location: 3p25.3.
Variant type: single nucleotide variant.
Coding change: c.193C>T on transcript NM_001077415.3 (MANE Select); coding-DNA position 193, C replaced by T.
Protein change: p.Arg65Trp; replaces arginine 65 with tryptophan.
Molecular consequence: missense variant. On other transcripts: non-coding transcript variant (3).
Genome position (GRCh38, 1-based): chr3:9,934,853, C>T. VCF-style: chr3-9934853-C-T. GRCh37 (hg19) VCF-style: chr3-9976537-C-T.
Other names: c.193C>T, p.Arg65Trp (NM_001031717.4, NM_001374316.1, NM_001374317.1 and 5 more transcripts); short protein forms R65W.
Identifiers: ClinVar variation 4874854 (VCV004874854.2).